The following is an entry in ClinVar:

NM_182961.4(SYNE1):c.25014_25015delinsCT (p.Gly8339Cys)

Gene: SYNE1 (spectrin repeat containing nuclear envelope protein 1; minus strand). Cytogenetic location: 6q25.2.
Variant type: Indel.
Coding change: c.25014_25015delinsCT on transcript NM_182961.4 (MANE Select); coding-DNA positions 25014 to 25015, GG replaced by CT.
Protein change: p.Gly8339Cys; replaces glycine 8339 with cysteine.
Molecular consequence: missense variant.
Genome position (GRCh38, 1-based): chr6:152,143,727-152,143,728, CC replaced by AG on the plus strand (GG replaced by CT on the coding strand, the reverse complement: SYNE1 is on the minus strand). VCF-style: chr6-152143727-CC-AG. GRCh37 (hg19) VCF-style: chr6-152464862-CC-AG.
Other names: c.1620_1621delinsCT, p.Gly541Cys (NM_001347701.2); c.1548_1549delinsCT, p.Gly517Cys (NM_001347702.2); c.24870_24871delinsCT, p.Gly8291Cys (NM_033071.5); short protein forms G517C, G8291C, G8339C, G541C.
Identifiers: ClinVar variation 1369760 (VCV001369760.4), dbSNP rs2152832436, ClinGen allele CA2573140660.

ClinVar aggregate classification (germline): Uncertain significance (1 of 4 stars; one submission).

Conditions:
Emery-Dreifuss muscular dystrophy 4, autosomal dominant (EDMD4). Also called: EMERY-DREIFUSS MUSCULAR DYSTROPHY 4 WITH VARIABLE FEATURES. Identifiers: Orphanet 261, MedGen C2751807, MONDO:0013071, OMIM 612998.
Autosomal recessive ataxia, Beauce type. Also called: SYNE1-Related Autosomal Recessive Cerebellar Ataxia; Spinocerebellar ataxia, autosomal recessive 8; ATAXIA, RECESSIVE, OF BEAUCE; SYNE1 Deficiency. Identifiers: Orphanet 88644, MedGen C1853116, MONDO:0012549, OMIM 610743.

Submission:

Labcorp Genetics (formerly Invitae), Labcorp
Classification: Uncertain significance for Emery-Dreifuss muscular dystrophy 4, autosomal dominant; Autosomal recessive ataxia, Beauce type. Last evaluated: 2022-08-16. Review status: criteria provided, single submitter. Criteria: Invitae Variant Classification Sherloc (09022015). Collection method: clinical testing. Allele origin: germline.
Comment: In summary, the available evidence is currently insufficient to determine the role of this variant in disease. Therefore, it has been classified as a Variant of Uncertain Significance. Experimental studies and prediction algorithms are not available or were not evaluated, and the functional significance of this variant is currently unknown. ClinVar contains an entry for this variant (Variation ID: 1369760). This variant has not been reported in the literature in individuals affected with SYNE1-related conditions. Information on the frequency of this variant in the gnomAD database is not available, as this variant may be reported differently in the database. This sequence change replaces glycine, which is neutral and non-polar, with cysteine, which is neutral and slightly polar, at codon 8291 of the SYNE1 protein (p.Gly8291Cys).